The following is an entry in ClinVar:

ClinVar aggregate classification (germline): Uncertain significance. Review status: criteria provided, multiple submitters, no conflicts (2 of 4 stars). 2 submissions from 2 submitters: Uncertain significance (2). Last evaluated 2025-09-05.

Conditions:
Hereditary cancer-predisposing syndrome. Also called: Tumor predisposition; Hereditary neoplastic syndrome; Neoplastic Syndromes, Hereditary; Hereditary Cancer Syndrome. Identifiers: Orphanet 140162, MedGen C0027672, MeSH D009386, MONDO:0015356.
EGFR-related lung cancer (EGFR). Identifiers: MedGen CN130014.

Allele frequency attached by ClinVar (database versions not stated): gnomAD exomes below 0.00001; TOPMed below 0.00001; gnomAD 0.00001.
gnomAD v4.1: 5 of 1,613,998 alleles (0.00031%); highest among the groups gnomAD compares: Non-Finnish European, 0.00034%; no homozygotes.

Submissions (2):

Labcorp Genetics (formerly Invitae), Labcorp
Classification: Uncertain significance for EGFR-related lung cancer. Last evaluated: 2025-09-05. Review status: criteria provided, single submitter. Criteria: Invitae Variant Classification Sherloc (09022015). Collection method: clinical testing. Allele origin: germline.
Comment: This sequence change falls in intron 11 of the EGFR gene. It does not directly change the encoded amino acid sequence of the EGFR protein. It affects a nucleotide within the consensus splice site. This variant is present in population databases (no rsID available, gnomAD 0.0009%). This variant has not been reported in the literature in individuals affected with EGFR-related conditions. ClinVar contains an entry for this variant (Variation ID: 958337). Variants that disrupt the consensus splice site are a relatively common cause of aberrant splicing (PMID: 17576681, 9536098). Algorithms developed to predict the effect of sequence changes on RNA splicing suggest that this variant may disrupt the consensus splice site. In summary, the available evidence is currently insufficient to determine the role of this variant in disease. Therefore, it has been classified as a Variant of Uncertain Significance.

Sema4
Classification: Uncertain significance for Hereditary cancer-predisposing syndrome. Last evaluated: 2021-12-29. Review status: criteria provided, single submitter. Criteria: Sema4 Curation Guidelines. Collection method: curation. Allele origin: germline.
Comment: The EGFR c.1298+6T>C variant has not been reported in the literature to our knowledge. It was observed in 1/251444 chromosomes across all large and broad cohorts of the Genome Aggregation Database (PMID: 32461654). In silico tools developed to predict the effect of sequence changes on RNA splicing do not suggest negative effect on normal splicing, though these predictions have not been confirmed by functional studies.This variant has been reported in ClinVar (Variation ID: 958337). The evidence is insufficient to meet ACMG/AMP criteria for classifying the variant as benign or pathogenic. Thus, the clinical significance of this variant is currently uncertain.

Literature cited by the submitters: PubMed 17576681 (cited by Labcorp Genetics (formerly Invitae), Labcorp); PubMed 9536098 (cited by Labcorp Genetics (formerly Invitae), Labcorp).

NM_005228.5(EGFR):c.1298+6T>C

Gene: EGFR (epidermal growth factor receptor; plus strand). Cytogenetic location: 7p11.2.
Variant type: single nucleotide variant.
Coding change: c.1298+6T>C on transcript NM_005228.5 (MANE Select); 6 bases into the intron after coding-DNA position 1298, T replaced by C.
Molecular consequence: intron variant.
Genome position (GRCh38, 1-based): chr7:55,157,759, T>C. VCF-style: chr7-55157759-T-C. GRCh37 (hg19) VCF-style: chr7-55225452-T-C.
Other names: c.1163+6T>C (NM_001346899.2, NM_001346897.2); c.497+6T>C (NM_001346941.2); c.1298+6T>C (NM_001346898.2, NM_201284.2, NM_201282.2); c.1139+6T>C (NM_001346900.2).
Identifiers: ClinVar variation 958337 (VCV000958337.9), dbSNP rs1483303832, ClinGen allele CA574331657.